The following is an entry in ClinVar:

ClinVar aggregate classification (germline): Conflicting classifications of pathogenicity. Review status: criteria provided, conflicting classifications (1 of 4 stars). 4 submissions from 4 submitters: Likely pathogenic (1); Uncertain significance (3). Last evaluated 2024-09-22.

Conditions:
Intellectual developmental disorder, autosomal dominant 50, with behavioral abnormalities. Also called: MENTAL RETARDATION, AUTOSOMAL DOMINANT 50; Intellectual disability, autosomal dominant 50. Identifiers: MedGen C4540470, MONDO:0030916, OMIM 617787.

Submissions (4):

Blueprint Genetics
Classification: Uncertain significance. Last evaluated: 2024-09-22. Review status: criteria provided, single submitter. Criteria: ACMG Guidelines, 2015. Collection method: clinical testing. Allele origin: germline.

GeneDx
Classification: Likely pathogenic. Last evaluated: 2022-04-05. Review status: criteria provided, single submitter. Criteria: GeneDx Variant Classification Process June 2021. Collection method: clinical testing. Allele origin: germline. Affected: yes.
Comment: Not observed at significant frequency in large population cohorts (gnomAD); In silico analysis supports that this missense variant has a deleterious effect on protein structure/function; Has not been previously published as pathogenic or benign to our knowledge; This variant is associated with the following publications: (PMID: 28990276, 26785492, 28191889, 23665959)

Geisinger Autism and Developmental Medicine Institute, Geisinger Health System
Classification: Uncertain significance for Intellectual developmental disorder, autosomal dominant 50, with behavioral abnormalities. Last evaluated: 2018-02-20. Review status: criteria provided, single submitter. Criteria: ACMG Guidelines, 2015. Collection method: provider interpretation, clinical testing. Allele origin: de novo. Observed: 1 variant allele.
Comment: Two VUSs (in trans) were also identified in the NSUN2 gene). At the time of the lab report, no known human disorders had been clearly associated with this gene. Heterozygous de novo variants predicted to result in loss of function have been reported in individuals with congenital cardiac abnormalities; however, some individuals also carried additional de novo variants in other genes (Zaidi, 2013; Homsy, 2015). This variant is absent from the gnomAD database and the NAA15 gene is constrained for loss of function and missense variation. Computational prediction models are inconsistent for this particular variant. Since this variant was reported, subsequent publications have reported de novo NAA15 variants in association with neurodevelopmental phenotypes (Stessman, 2017; Zhao, 2018).

Juno Genomics, Hangzhou Juno Genomics, Inc
Classification: Uncertain significance for Intellectual developmental disorder, autosomal dominant 50, with behavioral abnormalities. Review status: criteria provided, single submitter. Criteria: ACMG Guidelines, 2015. Collection method: clinical testing. Allele origin: germline. Affected: yes.
Comment: Absent from controls (or at extremely low frequency if recessive) in Genome Aggregation Database, Exome Sequencing Project, 1000 Genomes Project, or Exome Aggregation Consortium.;Multiple lines of computational evidence support a deleterious effect on the gene or gene product (conservation, evolutionary, splicing impact, etc).;The prevalence of the variant in affected individuals is significantly increased compared to the prevalence in controls.;Assumed de novo, but without confirmation of paternity and maternity.

Literature cited by the submitters: PubMed 23665959 (cited by Geisinger Autism and Developmental Medicine Institute, Geisinger Health System); PubMed 26785492 (cited by Geisinger Autism and Developmental Medicine Institute, Geisinger Health System); PubMed 28191889 (cited by Geisinger Autism and Developmental Medicine Institute, Geisinger Health System); PubMed 28990276 (cited by Geisinger Autism and Developmental Medicine Institute, Geisinger Health System).

NM_057175.5(NAA15):c.266T>C (p.Leu89Pro)

Gene: NAA15 (N-alpha-acetyltransferase 15, NatA auxiliary subunit; plus strand). Cytogenetic location: 4q31.1.
Variant type: single nucleotide variant.
Coding change: c.266T>C on transcript NM_057175.5 (MANE Select); coding-DNA position 266, T replaced by C.
Protein change: p.Leu89Pro; replaces leucine 89 with proline.
Molecular consequence: missense variant.
Genome position (GRCh38, 1-based): chr4:139,340,933, T>C. VCF-style: chr4-139340933-T-C. GRCh37 (hg19) VCF-style: chr4-140262087-T-C.
Other names: short protein forms L89P.
Identifiers: ClinVar variation 560235 (VCV000560235.9), dbSNP rs1560965164, ClinGen allele CA358259584.